The following is an entry in ClinVar:

NM_000059.4(BRCA2):c.425+1del

Gene: BRCA2 (BRCA2 DNA repair associated; plus strand). Cytogenetic location: 13q13.1.
Variant type: Deletion.
Coding change: c.425+1del on transcript NM_000059.4 (MANE Select); the canonical splice donor site of the intron after coding-DNA position 425, one base deleted (G; older notation c.425+1delG).
Molecular consequence: splice donor variant.
Genome position (GRCh38, 1-based): chr13:32,325,185, G deleted; the last of 2 consecutive G bases (chr13:32,325,184-32,325,185); deleting either gives the same sequence. VCF-style (leftmost placement, unchanged base first): chr13-32325183-AG-A. GRCh37 (hg19) VCF-style: chr13-32899320-AG-A.
Other names: c.425+1del (NM_001406720.1, NM_001406719.1, NM_001406721.1); c.56+1del (NM_001406722.1).
Identifiers: ClinVar variation 1072299 (VCV001072299.10), dbSNP rs2137447076, ClinGen allele CA2499222025.

ClinVar aggregate classification (germline): Pathogenic (1 of 4 stars; one submission).

Conditions:
Hereditary breast ovarian cancer syndrome. Also called: Hereditary breast and ovarian cancer syndrome (HBOC); Hereditary breast and/or ovarian cancer syndrome; Hereditary breast and ovarian cancer; BRCA1- and BRCA2-Associated Hereditary Breast and Ovarian Cancer; Hereditary breast and ovarian cancer syndrome; Breast and ovarian cancer. Identifiers: Orphanet 145, MedGen C0677776, MeSH D061325, MONDO:0003582. Disease mechanism: loss of function.

Submission:

Labcorp Genetics (formerly Invitae), Labcorp
Classification: Pathogenic for Hereditary breast ovarian cancer syndrome. Last evaluated: 2020-01-21. Review status: criteria provided, single submitter. Criteria: Invitae Variant Classification Sherloc (09022015). Collection method: clinical testing. Allele origin: germline.
Comment: For these reasons, this variant has been classified as Pathogenic. Loss-of-function variants in BRCA2 are known to be pathogenic (PMID: 20104584). This variant has not been reported in the literature in individuals with BRCA2-related conditions. This variant is not present in population databases (ExAC no frequency). This sequence change creates a premature translational stop signal (p.Ser142Ilefs*10) in the BRCA2 gene. It is expected to result in an absent or disrupted protein product.

Literature cited by the submitters: PubMed 20104584.